The following is an entry in ClinVar:

NM_000443.4(ABCB4):c.334G>C (p.Glu112Gln)

Gene: ABCB4 (ATP binding cassette subfamily B member 4; minus strand). Cytogenetic location: 7q21.12.
Variant type: single nucleotide variant.
Coding change: c.334G>C on transcript NM_000443.4 (MANE Select); coding-DNA position 334, G replaced by C.
Protein change: p.Glu112Gln; replaces glutamic acid 112 with glutamine.
Molecular consequence: missense variant.
Genome position (GRCh38, 1-based): chr7:87,454,545, C>G on the plus strand (G>C on the coding strand, the complement: ABCB4 is on the minus strand). VCF-style: chr7-87454545-C-G. GRCh37 (hg19) VCF-style: chr7-87083861-C-G.
Other names: c.334G>C, p.Glu112Gln (NM_018849.3, NM_018850.3); short protein forms E112Q.
Identifiers: ClinVar variation 4807964 (VCV004807964.1).

ClinVar aggregate classification (germline): Uncertain significance (1 of 4 stars; one submission).

Submission:

Labcorp Genetics (formerly Invitae), Labcorp
Classification: Uncertain significance. Last evaluated: 2025-11-13. Review status: criteria provided, single submitter. Criteria: Invitae Variant Classification Sherloc (09022015). Collection method: clinical testing. Allele origin: germline.
Comment: This sequence change replaces glutamic acid, which is acidic and polar, with glutamine, which is neutral and polar, at codon 112 of the ABCB4 protein (p.Glu112Gln). This variant is present in population databases (no rsID available, gnomAD 0.003%). This variant has not been reported in the literature in individuals affected with ABCB4-related conditions. Invitae Evidence Modeling of protein sequence and biophysical properties (such as structural, functional, and spatial information, amino acid conservation, physicochemical variation, residue mobility, and thermodynamic stability) indicates that this missense variant is not expected to disrupt ABCB4 protein function with a negative predictive value of 80%. In summary, the available evidence is currently insufficient to determine the role of this variant in disease. Therefore, it has been classified as a Variant of Uncertain Significance.